The following is an entry in ClinVar:

ClinVar aggregate classification (germline): Uncertain significance. Review status: criteria provided, multiple submitters, no conflicts (2 of 4 stars). 2 submissions from 2 submitters: Uncertain significance (2). Last evaluated 2022-10-04.

Allele frequency attached by ClinVar (database versions not stated): gnomAD exomes below 0.00001; ExAC 0.00001; gnomAD 0.00001; TOPMed 0.00003.
gnomAD v4.1: 19 of 1,613,858 alleles (0.0012%); highest among the groups gnomAD compares: Admixed American, 0.0033%; no homozygotes.

Submissions (2):

Labcorp Genetics (formerly Invitae), Labcorp
Classification: Uncertain significance. Last evaluated: 2022-10-04. Review status: criteria provided, single submitter. Criteria: Invitae Variant Classification Sherloc (09022015). Collection method: clinical testing. Allele origin: germline.
Comment: This sequence change replaces glutamic acid, which is acidic and polar, with lysine, which is basic and polar, at codon 607 of the SLC24A1 protein (p.Glu607Lys). This variant is present in population databases (rs755888983, gnomAD 0.003%). This variant has not been reported in the literature in individuals affected with SLC24A1-related conditions. ClinVar contains an entry for this variant (Variation ID: 1479403). Algorithms developed to predict the effect of missense changes on protein structure and function (SIFT, PolyPhen-2, Align-GVGD) all suggest that this variant is likely to be disruptive. In summary, the available evidence is currently insufficient to determine the role of this variant in disease. Therefore, it has been classified as a Variant of Uncertain Significance.

Blueprint Genetics
Classification: Uncertain significance. Last evaluated: 2021-01-11. Review status: criteria provided, single submitter. Criteria: ACMG Guidelines, 2015. Collection method: clinical testing. Allele origin: germline.

NM_004727.3(SLC24A1):c.1819G>A (p.Glu607Lys)

Gene: SLC24A1 (solute carrier family 24 member 1; plus strand). Cytogenetic location: 15q22.31.
Variant type: single nucleotide variant.
Coding change: c.1819G>A on transcript NM_004727.3 (MANE Select); coding-DNA position 1819, G replaced by A.
Protein change: p.Glu607Lys; replaces glutamic acid 607 with lysine.
Molecular consequence: missense variant.
Genome position (GRCh38, 1-based): chr15:65,625,899, G>A. VCF-style: chr15-65625899-G-A. GRCh37 (hg19) VCF-style: chr15-65918237-G-A.
Other names: c.1819G>A, p.Glu607Lys (NM_001301031.1, NM_001301032.1, NM_001301033.2); short protein forms E607K.
Identifiers: ClinVar variation 1479403 (VCV001479403.4), dbSNP rs755888983, ClinGen allele CA7619976.